The following is an entry in ClinVar:

ClinVar aggregate classification (germline): Uncertain significance (1 of 4 stars; one submission).

Submission:

Labcorp Genetics (formerly Invitae), Labcorp
Classification: Uncertain significance. Last evaluated: 2025-06-15. Review status: criteria provided, single submitter. Criteria: Invitae Variant Classification Sherloc (09022015). Collection method: clinical testing. Allele origin: germline.
Comment: This sequence change replaces glutamic acid, which is acidic and polar, with valine, which is neutral and non-polar, at codon 5 of the PPP1CB protein (p.Glu5Val). This variant is not present in population databases (gnomAD no frequency). This variant has not been reported in the literature in individuals affected with PPP1CB-related conditions. An algorithm developed to predict the effect of missense changes on protein structure and function (PolyPhen-2) suggests that this variant is likely to be tolerated. In summary, the available evidence is currently insufficient to determine the role of this variant in disease. Therefore, it has been classified as a Variant of Uncertain Significance.

NM_002709.3(PPP1CB):c.14A>T (p.Glu5Val)

Gene: PPP1CB (protein phosphatase 1 catalytic subunit beta; plus strand). Cytogenetic location: 2p23.2.
Variant type: single nucleotide variant.
Coding change: c.14A>T on transcript NM_002709.3 (MANE Select); coding-DNA position 14, A replaced by T.
Protein change: p.Glu5Val; replaces glutamic acid 5 with valine.
Molecular consequence: missense variant.
Genome position (GRCh38, 1-based): chr2:28,752,138, A>T. VCF-style: chr2-28752138-A-T. GRCh37 (hg19) VCF-style: chr2-28975004-A-T.
Other names: c.14A>T, p.Glu5Val (NM_206876.2); short protein forms E5V.
Identifiers: ClinVar variation 4797944 (VCV004797944.1).
Genomic context (GRCh38, chr2:28,752,138, plus strand): 5'-AGAAGCCCTTGTTCCCGCTGCTGGGAAGGAGAGTCTGTGCCGACAAGATGGCGGACGGGG[A>T]GCTGAACGTGGACAGCCTCATCACCCGGCTGCTGGAGGGTGAGTGCGCGCCTGGCCGCGG-3'
Protein context (NP_002700.1, residues 1-15): MADG[Glu5Val]LNVDSLITRL